The following is an entry in ClinVar:

NM_013436.5(NCKAP1):c.1670T>C (p.Leu557Ser)

Gene: NCKAP1 (NCK associated protein 1; minus strand). Cytogenetic location: 2q32.1.
Variant type: single nucleotide variant.
Coding change: c.1670T>C on transcript NM_013436.5 (MANE Select); coding-DNA position 1670, T replaced by C.
Protein change: p.Leu557Ser; replaces leucine 557 with serine.
Molecular consequence: missense variant.
Genome position (GRCh38, 1-based): chr2:182,964,767, A>G on the plus strand (T>C on the coding strand, the complement: NCKAP1 is on the minus strand). VCF-style: chr2-182964767-A-G. GRCh37 (hg19) VCF-style: chr2-183829495-A-G.
Other names: c.1664T>C, p.Leu555Ser (NM_001437266.1); c.1682T>C, p.Leu561Ser (NM_001437267.1); c.1688T>C, p.Leu563Ser (NM_205842.3); short protein forms L555S, L557S, L561S, L563S.
Identifiers: ClinVar variation 5018076 (VCV005018076.1).

ClinVar aggregate classification (germline): Uncertain significance (1 of 4 stars; one submission).

Submission:

GeneDx
Classification: Uncertain significance. Last evaluated: 2026-03-31. Review status: criteria provided, single submitter. Criteria: GeneDx Variant Classification Process June 2021. Collection method: clinical testing. Allele origin: germline.
Comment: Not observed at significant frequency in large population cohorts (gnomAD); In silico analysis supports that this missense variant has a deleterious effect on protein structure/function; Has not been previously published as pathogenic or benign to our knowledge